The following is an entry in ClinVar:

ClinVar aggregate classification (germline): Uncertain significance (1 of 4 stars; one submission).

Conditions:
GRN-related frontotemporal lobar degeneration with Tdp43 inclusions (FTD2). Also called: DEMENTIA, HEREDITARY DYSPHASIC DISINHIBITION; FRONTOTEMPORAL LOBAR DEGENERATION WITH UBIQUITIN-POSITIVE INCLUSIONS; FTLD-TDP, GRN-RELATED; GRN Frontotemporal Dementia; FRONTOTEMPORAL DEMENTIA WITH TDP43 INCLUSIONS, GRN-RELATED. Identifiers: Orphanet 100070, Orphanet 282, MedGen C1843792, MONDO:0011842, OMIM 607485. Disease mechanism: loss of function.
Neuronal ceroid lipofuscinosis 11. Also called: GRN-Related Neuronal Ceroid-Lipofuscinosis. Identifiers: Orphanet 314629, Orphanet 79262, MedGen C3539123, MONDO:0013866, OMIM 614706.

Allele frequency attached by ClinVar (database versions not stated): gnomAD 0.00001; ExAC 0.00002; gnomAD exomes 0.00003.
gnomAD v4.1: 40 of 1,611,280 alleles (0.0025%); highest among the groups gnomAD compares: East Asian, 0.085%; no homozygotes.

Submission:

Labcorp Genetics (formerly Invitae), Labcorp
Classification: Uncertain significance for Neuronal ceroid lipofuscinosis 11; GRN-related frontotemporal lobar degeneration with Tdp43 inclusions. Last evaluated: 2025-08-21. Review status: criteria provided, single submitter. Criteria: Invitae Variant Classification Sherloc (09022015). Collection method: clinical testing. Allele origin: germline.
Comment: This sequence change replaces glycine, which is neutral and non-polar, with aspartic acid, which is acidic and polar, at codon 569 of the GRN protein (p.Gly569Asp). This variant is present in population databases (rs764307664, gnomAD 0.02%). This variant has not been reported in the literature in individuals affected with GRN-related conditions. ClinVar contains an entry for this variant (Variation ID: 2197061). Invitae Evidence Modeling of protein sequence and biophysical properties (such as structural, functional, and spatial information, amino acid conservation, physicochemical variation, residue mobility, and thermodynamic stability) has been performed for this missense variant. However, the output from this modeling did not meet the statistical confidence thresholds required to predict the impact of this variant on GRN protein function. In summary, the available evidence is currently insufficient to determine the role of this variant in disease. Therefore, it has been classified as a Variant of Uncertain Significance.

NM_002087.4(GRN):c.1706G>A (p.Gly569Asp)

Gene: GRN (granulin precursor; plus strand). Cytogenetic location: 17q21.31.
Variant type: single nucleotide variant.
Coding change: c.1706G>A on transcript NM_002087.4 (MANE Select); coding-DNA position 1706, G replaced by A.
Protein change: p.Gly569Asp; replaces glycine 569 with aspartic acid.
Molecular consequence: missense variant.
Genome position (GRCh38, 1-based): chr17:44,352,722, G>A. VCF-style: chr17-44352722-G-A. GRCh37 (hg19) VCF-style: chr17-42430090-G-A.
Other names: short protein forms G569D.
Identifiers: ClinVar variation 2197061 (VCV002197061.4), dbSNP rs764307664, ClinGen allele CA8602281.